The following is an entry in ClinVar:

ClinVar aggregate classification (germline): Likely pathogenic (1 of 4 stars; one submission).

Conditions:
MHC class II deficiency. Also called: BLS, TYPE II; Bare lymphocyte syndrome 2. Identifiers: Orphanet 572, MedGen C5447452, MONDO:0008855.

Submission:

Natera, Inc.
Classification: Likely pathogenic for Bare lymphocyte syndrome type II. Last evaluated: 2024-02-23. Review status: criteria provided, single submitter. Criteria: Natera Variant Classification Schema (03/2026). Collection method: clinical testing. Allele origin: germline.
Comment: The c.2879_2880delTG variant in CIITA is a frameshift variant predicted to shift the reading frame beginning at codon 960 and leads to a stop codon 36 codons downstream. This variant is expected to result in nonsense mediated decay, truncation, or a dysfunctional protein product. This variant is rare in the general population with a frequency below the threshold expected for the associated phenotype(s). Given the available evidence, this variant is classified as Likely Pathogenic.

NM_000246.4(CIITA):c.2879_2880del (p.Leu960fs)

Gene: CIITA (class II major histocompatibility complex transactivator; plus strand). Cytogenetic location: 16p13.13.
Variant type: Deletion.
Coding change: c.2879_2880del on transcript NM_000246.4 (MANE Select); coding-DNA positions 2879 to 2880, 2 bases deleted (TG; older notation c.2879_2880delTG).
Protein change: p.Leu960fs; shifts the reading frame from leucine 960.
Molecular consequence: frameshift variant. On other transcripts: non-coding transcript variant (1).
Genome position (GRCh38, 1-based): chr16:10,910,250-10,910,251, TG deleted. VCF-style (leftmost placement, unchanged base first): chr16-10910249-CTG-C. GRCh37 (hg19) VCF-style: chr16-11004106-CTG-C.
Other names: c.2882_2883del, p.Leu961fs (NM_001286402.1, NM_001379332.1); c.1127_1128del, p.Leu376fs (NM_001286403.2); c.2735_2736del, p.Leu912fs (NM_001379330.1); c.2732_2733del, p.Leu911fs (NM_001379331.1); c.2879_2880del, p.Leu960fs (NM_001379333.1); c.2810_2811del, p.Leu937fs (NM_001379334.1); short protein forms L376fs, L911fs, L912fs, L937fs, L960fs, L961fs.
Identifiers: ClinVar variation 4817976 (VCV004817976.1).